The following is an entry in ClinVar:

NM_194454.3(KRIT1):c.1867dup (p.Arg623fs)

Gene: KRIT1 (KRIT1 ankyrin repeat containing; minus strand). Cytogenetic location: 7q21.2.
Variant type: Duplication.
Coding change: c.1867dup on transcript NM_194454.3 (MANE Select); coding-DNA position 1867, one base duplicated (C; older notation c.1867dupC).
Protein change: p.Arg623fs; shifts the reading frame from arginine 623.
Molecular consequence: frameshift variant.
Genome position (GRCh38, 1-based): chr7:92,213,353, G duplicated on the plus strand (C on the coding strand, the reverse complement: KRIT1 is on the minus strand). VCF-style (leftmost placement, unchanged base first): chr7-92213352-C-CG. GRCh37 (hg19) VCF-style: chr7-91842666-C-CG.
Other names: c.1723dup, p.Arg575fs (NM_001013406.2, NM_001350669.1, NM_001350670.1); c.1153dup, p.Arg385fs (NM_001350671.1); c.1867dup, p.Arg623fs (NM_001350672.1, NM_001350673.1, NM_001350674.1 and 26 more transcripts); short protein forms R385fs, R575fs, R623fs.
Identifiers: ClinVar variation 5720 (VCV000005720.2), dbSNP rs2131309179, ClinGen allele CA2573052926.

ClinVar aggregate classification (germline): Pathogenic. Review status: criteria provided, single submitter (1 of 4 stars). 2 submissions from 2 submitters: Pathogenic (1). 1 of the submissions does not count toward it. Last evaluated 2025-11-06.

Conditions:
Cerebral cavernous malformation (CCM). Also called: Cerebral cavernous malformations; CAVERNOUS ANGIOMA, FAMILIAL; CAVERNOUS ANGIOMATOUS MALFORMATIONS; CEREBRAL CAPILLARY MALFORMATIONS; Cavernous Hemangioma of Brain; Cerebral cavernous hemangioma (type). Identifiers: Orphanet 221061, MedGen C2919945, MONDO:0000820, OMIM 116860, HP:0033522.
Cerebral cavernous malformation 1. Also called: Cerebral cavernous malformations 1; Familial Cerebral Cavernous Malformation 1. Identifiers: MedGen C1366911, MONDO:0020724.

Submissions (2):

Labcorp Genetics (formerly Invitae), Labcorp
Classification: Pathogenic for Cerebral cavernous malformation. Last evaluated: 2025-11-06. Review status: criteria provided, single submitter. Criteria: Invitae Variant Classification Sherloc (09022015). Collection method: clinical testing. Allele origin: germline.
Comment: This sequence change creates a premature translational stop signal (p.Arg623Profs*32) in the KRIT1 gene. It is expected to result in an absent or disrupted protein product. Loss-of-function variants in KRIT1 are known to be pathogenic (PMID: 10508515, 11222804, 12404106, 24689081). This variant is not present in population databases (gnomAD no frequency). This premature translational stop signal has been observed in individual(s) with cerebral cavernous malformations-1 (PMID: 10508515). This variant is also known as c.1271insC. ClinVar contains an entry for this variant (Variation ID: 5720). For these reasons, this variant has been classified as Pathogenic.

OMIM
Classification: Pathogenic for CEREBRAL CAVERNOUS MALFORMATIONS 1. Last evaluated: 1999-10-01. Review status: no assertion criteria provided. Collection method: literature only. Allele origin: germline. Not counted in ClinVar's aggregate classification.

Literature cited by the submitters: PubMed 10508515 (cited by Labcorp Genetics (formerly Invitae), Labcorp and OMIM); PubMed 11222804 (cited by Labcorp Genetics (formerly Invitae), Labcorp); PubMed 12404106 (cited by Labcorp Genetics (formerly Invitae), Labcorp); PubMed 24689081 (cited by Labcorp Genetics (formerly Invitae), Labcorp).